The following is an entry in ClinVar:

ClinVar aggregate classification (germline): Uncertain significance (1 of 4 stars; one submission).

Conditions:
TH-deficient dopa-responsive dystonia. Also called: Tyrosine Hydroxylase-Deficient Dopa-Responsive Dystonia; Segawa syndrome, autosomal recessive; DYT-TH. Identifiers: Orphanet 101150, MedGen C2673535, MONDO:0011551, OMIM 605407.

Allele frequency attached by ClinVar (database versions not stated): gnomAD exomes below 0.00001.
gnomAD v4.1: 2 of 1,581,330 alleles (0.00013%); highest among the groups gnomAD compares: Non-Finnish European, 0.00017%; no homozygotes.

Submission:

Labcorp Genetics (formerly Invitae), Labcorp
Classification: Uncertain significance for TH-deficient dopa-responsive dystonia. Last evaluated: 2022-05-29. Review status: criteria provided, single submitter. Criteria: Invitae Variant Classification Sherloc (09022015). Collection method: clinical testing. Allele origin: germline.
Comment: This sequence change replaces glutamic acid, which is acidic and polar, with aspartic acid, which is acidic and polar, at codon 265 of the TH protein (p.Glu265Asp). The frequency data for this variant in the population databases is considered unreliable, as metrics indicate poor data quality at this position in the gnomAD database. This variant has not been reported in the literature in individuals affected with TH-related conditions. Advanced modeling of protein sequence and biophysical properties (such as structural, functional, and spatial information, amino acid conservation, physicochemical variation, residue mobility, and thermodynamic stability) performed at Invitae indicates that this missense variant is not expected to disrupt TH protein function. Algorithms developed to predict the effect of sequence changes on RNA splicing suggest that this variant may create or strengthen a splice site. In summary, the available evidence is currently insufficient to determine the role of this variant in disease. Therefore, it has been classified as a Variant of Uncertain Significance.

NM_000360.4(TH):c.702G>T (p.Glu234Asp)

Gene: TH (tyrosine hydroxylase; minus strand). Cytogenetic location: 11p15.5.
Variant type: single nucleotide variant.
Coding change: c.702G>T on transcript NM_000360.4 (MANE Select); coding-DNA position 702, G replaced by T.
Protein change: p.Glu234Asp; replaces glutamic acid 234 with aspartic acid.
Molecular consequence: missense variant.
Genome position (GRCh38, 1-based): chr11:2,167,026, C>A on the plus strand (G>T on the coding strand, the complement: TH is on the minus strand). VCF-style: chr11-2167026-C-A. GRCh37 (hg19) VCF-style: chr11-2188256-C-A.
Other names: c.795G>T, p.Glu265Asp (NM_199292.3); c.783G>T, p.Glu261Asp (NM_199293.3); short protein forms E261D, E265D, E234D.
Identifiers: ClinVar variation 2147774 (VCV002147774.1), dbSNP rs1324380637, ClinGen allele CA379127153.